The following is an entry in ClinVar:

ClinVar aggregate classification (germline): Uncertain significance (1 of 4 stars; one submission).

Conditions:
Spondyloenchondrodysplasia with immune dysregulation (SPENCDI). Also called: COMBINED IMMUNODEFICIENCY WITH AUTOIMMUNITY AND SPONDYLOMETAPHYSEAL DYSPLASIA; ROIFMAN IMMUNOSKELETAL SYNDROME; SPONDYLOENCHONDRODYSPLASIA WITH OR WITHOUT IMMUNE DYSREGULATION. Identifiers: Orphanet 1855, MedGen C1842763, MONDO:0011939, OMIM 607944.

Allele frequency attached by ClinVar (database versions not stated): gnomAD exomes below 0.00001.

Submission:

Labcorp Genetics (formerly Invitae), Labcorp
Classification: Uncertain significance for Spondyloenchondrodysplasia with immune dysregulation. Last evaluated: 2020-02-11. Review status: criteria provided, single submitter. Criteria: Invitae Variant Classification Sherloc (09022015). Collection method: clinical testing. Allele origin: germline.
Comment: In summary, the available evidence is currently insufficient to determine the role of this variant in disease. Therefore, it has been classified as a Variant of Uncertain Significance. Algorithms developed to predict the effect of missense changes on protein structure and function are either unavailable or do not agree on the potential impact of this missense change (SIFT: "Not Available"; PolyPhen-2: "Possibly Damaging"; Align-GVGD: "Not Available"). This variant has not been reported in the literature in individuals with ACP5-related conditions. This variant is not present in population databases (ExAC no frequency). This sequence change replaces isoleucine with phenylalanine at codon 307 of the ACP5 protein (p.Ile307Phe). The isoleucine residue is weakly conserved and there is a small physicochemical difference between isoleucine and phenylalanine.

NM_001611.5(ACP5):c.919A>T (p.Ile307Phe)

Gene: ACP5 (acid phosphatase 5, tartrate resistant; minus strand). Cytogenetic location: 19p13.2.
Variant type: single nucleotide variant.
Coding change: c.919A>T on transcript NM_001611.5 (MANE Select); coding-DNA position 919, A replaced by T.
Protein change: p.Ile307Phe; replaces isoleucine 307 with phenylalanine.
Molecular consequence: missense variant.
Genome position (GRCh38, 1-based): chr19:11,575,069, T>A on the plus strand (A>T on the coding strand, the complement: ACP5 is on the minus strand). VCF-style: chr19-11575069-T-A. GRCh37 (hg19) VCF-style: chr19-11685884-T-A.
Other names: c.919A>T, p.Ile307Phe (NM_001111034.3, NM_001111035.3, NM_001111036.3 and 1 more transcripts); short protein forms I307F.
Identifiers: ClinVar variation 1019052 (VCV001019052.5), dbSNP rs1483232010, ClinGen allele CA404145031.